The following is an entry in ClinVar:

NM_177438.3(DICER1):c.4096C>G (p.Pro1366Ala)

Gene: DICER1 (dicer 1, ribonuclease III; minus strand). Cytogenetic location: 14q32.13.
Variant type: single nucleotide variant.
Coding change: c.4096C>G on transcript NM_177438.3 (MANE Select); coding-DNA position 4096, C replaced by G.
Protein change: p.Pro1366Ala; replaces proline 1366 with alanine.
Molecular consequence: missense variant. On other transcripts: non-coding transcript variant (6).
Genome position (GRCh38, 1-based): chr14:95,099,890, G>C on the plus strand (C>G on the coding strand, the complement: DICER1 is on the minus strand). VCF-style: chr14-95099890-G-C. GRCh37 (hg19) VCF-style: chr14-95566227-G-C.
Other names: c.4096C>G, p.Pro1366Ala (NM_001195573.1, NM_001271282.3, NM_001291628.2 and 13 more transcripts); c.3814C>G, p.Pro1272Ala (NM_001395686.1); c.3691C>G, p.Pro1231Ala (NM_001395687.1, NM_001395688.1, NM_001395689.1 and 2 more transcripts); c.3529C>G, p.Pro1177Ala (NM_001395691.1); c.2413C>G, p.Pro805Ala (NM_001395697.1); short protein forms P1177A, P1272A, P805A, P1366A, P1231A.
Identifiers: ClinVar variation 2184624 (VCV002184624.6), dbSNP rs2139902631, ClinGen allele CA390872155.

ClinVar aggregate classification (germline): Uncertain significance. Review status: criteria provided, multiple submitters, no conflicts (2 of 4 stars). 2 submissions from 2 submitters: Uncertain significance (2). Last evaluated 2023-07-12.

Conditions:
DICER1-related tumor predisposition. Also called: DICER1-related pleuropulmonary blastoma cancer predisposition syndrome; DICER1 syndrome. Identifiers: Orphanet 284343, MedGen C3839822, MONDO:0100216.
Hereditary cancer-predisposing syndrome. Also called: Neoplastic Syndromes, Hereditary; Tumor predisposition; Hereditary Cancer Syndrome; Hereditary neoplastic syndrome. Identifiers: Orphanet 140162, MedGen C0027672, MeSH D009386, MONDO:0015356.

Submissions (2):

Ambry Genetics
Classification: Uncertain significance for Hereditary cancer-predisposing syndrome. Last evaluated: 2023-07-12. Review status: criteria provided, single submitter. Criteria: Ambry Variant Classification Scheme 2023. Collection method: clinical testing. Allele origin: germline.
Comment: The p.P1366A variant (also known as c.4096C>G), located in coding exon 21 of the DICER1 gene, results from a C to G substitution at nucleotide position 4096. The proline at codon 1366 is replaced by alanine, an amino acid with highly similar properties. This amino acid position is conserved. In addition, the in silico prediction for this alteration is inconclusive. Since supporting evidence is limited at this time, the clinical significance of this alteration remains unclear.

Labcorp Genetics (formerly Invitae), Labcorp
Classification: Uncertain significance for DICER1-related tumor predisposition. Last evaluated: 2022-09-19. Review status: criteria provided, single submitter. Criteria: Invitae Variant Classification Sherloc (09022015). Collection method: clinical testing. Allele origin: germline.
Comment: This variant has not been reported in the literature in individuals affected with DICER1-related conditions. In summary, the available evidence is currently insufficient to determine the role of this variant in disease. Therefore, it has been classified as a Variant of Uncertain Significance. Advanced modeling of protein sequence and biophysical properties (such as structural, functional, and spatial information, amino acid conservation, physicochemical variation, residue mobility, and thermodynamic stability) performed at Invitae indicates that this missense variant is not expected to disrupt DICER1 protein function. This variant is not present in population databases (gnomAD no frequency). This sequence change replaces proline, which is neutral and non-polar, with alanine, which is neutral and non-polar, at codon 1366 of the DICER1 protein (p.Pro1366Ala).